The following is an entry in ClinVar:

ClinVar aggregate classification (germline): Benign. Review status: criteria provided, single submitter (1 of 4 stars). 2 submissions from 2 submitters: Benign (1). 1 of the submissions does not count toward it. Last evaluated 2025-11-12.

Conditions:
RARB-related disorder. Also called: RARB-related condition.
Microphthalmia, syndromic 12 (MCOPS12). Also called: MICROPHTHALMIA WITH OR WITHOUT PULMONARY HYPOPLASIA, DIAPHRAGMATIC HERNIA, AND/OR CARDIAC DEFECTS. Identifiers: Orphanet 2470, Orphanet 689829, MedGen C3809803, MONDO:0014229, OMIM 615524.

Allele frequency attached by ClinVar (database versions not stated): gnomAD 0.00050 and 0.00053; ExAC 0.00055; TOPMed 0.00056; gnomAD exomes 0.00069 and 0.00081; ESP Exome Variant Server 0.00085.
gnomAD v4.1: 1,251 of 1,614,018 alleles (0.078%); highest among the groups gnomAD compares: Non-Finnish European, 0.078%; 2 homozygotes.

Submissions (2):

Labcorp Genetics (formerly Invitae), Labcorp
Classification: Benign for Microphthalmia, syndromic 12. Last evaluated: 2025-11-12. Review status: criteria provided, single submitter. Criteria: Invitae Variant Classification Sherloc (09022015). Collection method: clinical testing. Allele origin: germline.

PreventionGenetics, part of Exact Sciences
Classification: Benign for RARB-related condition. Last evaluated: 2019-12-31. Review status: no assertion criteria provided. Collection method: clinical testing. Allele origin: germline. Not counted in ClinVar's aggregate classification.
Comment: This variant is classified as benign based on ACMG/AMP sequence variant interpretation guidelines (Richards et al. 2015 PMID: 25741868, with internal and published modifications).

NM_000965.5(RARB):c.920A>C (p.Asn307Thr)

Gene: RARB (retinoic acid receptor beta; plus strand). Cytogenetic location: 3p24.2.
Variant type: single nucleotide variant.
Coding change: c.920A>C on transcript NM_000965.5 (MANE Select); coding-DNA position 920, A replaced by C.
Protein change: p.Asn307Thr; replaces asparagine 307 with threonine.
Molecular consequence: missense variant. On other transcripts: non-coding transcript variant (1), intron variant (1).
Genome position (GRCh38, 1-based): chr3:25,593,636, A>C. VCF-style: chr3-25593636-A-C. GRCh37 (hg19) VCF-style: chr3-25635127-A-C.
Other names: c.920A>C (NM_000965.4); c.941A>C, p.Asn314Thr (NM_001290216.3); c.584A>C, p.Asn195Thr (NM_001290217.2, NM_001290276.2, NM_016152.4); c.773A>C, p.Asn258Thr (NM_001290266.2); c.791A>C, p.Asn264Thr (NM_001290300.2); c.787-5A>C (NM_001290277.1); short protein forms N195T, N258T, N264T, N307T, N314T.
Identifiers: ClinVar variation 1600081 (VCV001600081.10), dbSNP rs146757345, ClinGen allele CA2287824.